The following is an entry in ClinVar:

NM_178565.5(RSPO2):c.626C>T (p.Thr209Ile)

Gene: RSPO2 (R-spondin 2; minus strand). Cytogenetic location: 8q23.1.
Variant type: single nucleotide variant.
Coding change: c.626C>T on transcript NM_178565.5 (MANE Select); coding-DNA position 626, C replaced by T.
Protein change: p.Thr209Ile; replaces threonine 209 with isoleucine.
Molecular consequence: missense variant.
Genome position (GRCh38, 1-based): chr8:107,901,181, G>A on the plus strand (C>T on the coding strand, the complement: RSPO2 is on the minus strand). VCF-style: chr8-107901181-G-A. GRCh37 (hg19) VCF-style: chr8-108913409-G-A.
Other names: c.434C>T, p.Thr145Ile (NM_001282863.2); c.425C>T, p.Thr142Ile (NM_001317942.2); short protein forms T145I, T142I, T209I.
Identifiers: ClinVar variation 2866204 (VCV002866204.2), dbSNP rs1023648455, ClinGen allele CA183522673.

ClinVar aggregate classification (germline): Uncertain significance (1 of 4 stars; one submission).

Allele frequency attached by ClinVar (database versions not stated): gnomAD exomes below 0.00001; TOPMed below 0.00001; gnomAD 0.00001.
gnomAD v4.1: 3 of 1,613,182 alleles (0.00019%); highest among the groups gnomAD compares: Admixed American, 0.0017%; no homozygotes.

Submission:

Labcorp Genetics (formerly Invitae), Labcorp
Classification: Uncertain significance. Last evaluated: 2023-11-18. Review status: criteria provided, single submitter. Criteria: Invitae Variant Classification Sherloc (09022015). Collection method: clinical testing. Allele origin: germline.
Comment: This sequence change replaces threonine, which is neutral and polar, with isoleucine, which is neutral and non-polar, at codon 209 of the RSPO2 protein (p.Thr209Ile). This variant is present in population databases (no rsID available, gnomAD 0.06%). This variant has not been reported in the literature in individuals affected with RSPO2-related conditions. Advanced modeling of protein sequence and biophysical properties (such as structural, functional, and spatial information, amino acid conservation, physicochemical variation, residue mobility, and thermodynamic stability) performed at Invitae indicates that this missense variant is not expected to disrupt RSPO2 protein function with a negative predictive value of 80%. In summary, the available evidence is currently insufficient to determine the role of this variant in disease. Therefore, it has been classified as a Variant of Uncertain Significance.